The following is an entry in ClinVar:

NM_018486.3(HDAC8):c.227T>C (p.Leu76Pro)

Gene: HDAC8 (histone deacetylase 8; minus strand). Cytogenetic location: Xq13.1.
Variant type: single nucleotide variant.
Coding change: c.227T>C on transcript NM_018486.3 (MANE Select); coding-DNA position 227, T replaced by C.
Protein change: p.Leu76Pro; replaces leucine 76 with proline.
Molecular consequence: missense variant. On other transcripts: non-coding transcript variant (4), intron variant (3).
Genome position (GRCh38, 1-based): chrX:72,568,822, A>G on the plus strand (T>C on the coding strand, the complement: HDAC8 is on the minus strand). VCF-style: chrX-72568822-A-G. GRCh37 (hg19) VCF-style: chrX-71788672-A-G.
Other names: c.227T>C, p.Leu76Pro (NM_001166419.2, NM_001166420.2, NM_001166422.2 and 5 more transcripts); c.164+3235T>C (NM_001166418.2, NM_001410728.1, NM_001166448.2); short protein forms L76P.
Identifiers: ClinVar variation 4293009 (VCV004293009.1).

ClinVar aggregate classification (germline): Uncertain significance (1 of 4 stars; one submission).

Conditions:
Cornelia de Lange syndrome 5 (CDLS5). Also called: HDAC8-Related Cornelia de Lange Syndrome. Identifiers: Orphanet 199, MedGen C3550903, MONDO:0010471, OMIM 300882.

Submission:

3billion
Classification: Uncertain significance for Cornelia de Lange syndrome 5. Last evaluated: 2024-06-14. Review status: criteria provided, single submitter. Criteria: ACMG Guidelines, 2015. Collection method: clinical testing. Allele origin: germline. Affected: yes.
Comment: The variant is not observed in the gnomAD v4.0.0 dataset. Predicted Consequence/Location: Missense variant In silico tool predictions suggest damaging effect of the variant on gene or gene product [REVEL: 0.86 (>=0.6, sensitivity 0.68 and specificity 0.92); 3Cnet: 0.99 (>=0.6, sensitivity 0.72 and precision 0.9)]. Therefore, this variant is classified as VUS according to the recommendation of ACMG/AMP guideline.